The following is an entry in ClinVar:

ClinVar aggregate classification (germline): Uncertain significance (1 of 4 stars; one submission).

gnomAD v4.1: 2 of 1,566,078 alleles (0.00013%); highest among the groups gnomAD compares: Non-Finnish European, 0.00017%; no homozygotes.

Submission:

GeneDx
Classification: Uncertain significance. Last evaluated: 2025-04-11. Review status: criteria provided, single submitter. Criteria: GeneDx Variant Classification Process June 2021. Collection method: clinical testing. Allele origin: germline. Affected: yes.
Comment: In silico analysis indicates that this missense variant does not alter protein structure/function; Has not been previously published as pathogenic or benign to our knowledge; Reported using an alternate transcript of the gene

NM_080425.4(GNAS):c.1298C>T (p.Ala433Val)

Gene: GNAS (GNAS complex locus; plus strand). Cytogenetic location: 20q13.32.
Variant type: single nucleotide variant.
Coding change: c.1298C>T on transcript NM_080425.4 (MANE Plus Clinical); coding-DNA position 1298, C replaced by T.
Protein change: p.Ala433Val; replaces alanine 433 with valine.
Molecular consequence: missense variant. On other transcripts: nonsense (2), intron variant (3).
Genome position (GRCh38, 1-based): chr20:58,854,563, C>T. VCF-style: chr20-58854563-C-T. GRCh37 (hg19) VCF-style: chr20-57429618-C-T.
Other names: c.1111C>T, p.Gln371Ter (NM_001077490.3, NM_001309883.1); c.1298C>T, p.Ala433Val (NM_001410913.1); c.*42+13677C>T (NM_016592.5); c.43+13677C>T (NM_001410912.1); c.-39+12688C>T (NM_001309861.2); short protein forms A433V, Q371*.
Identifiers: ClinVar variation 4282090 (VCV004282090.1).